The following is an entry in ClinVar:

NM_182931.3(KMT2E):c.883G>T (p.Gly295Cys)

Gene: KMT2E (lysine methyltransferase 2E (inactive); plus strand). Cytogenetic location: 7q22.3.
Variant type: single nucleotide variant.
Coding change: c.883G>T on transcript NM_182931.3 (MANE Select); coding-DNA position 883, G replaced by T.
Protein change: p.Gly295Cys; replaces glycine 295 with cysteine.
Molecular consequence: missense variant.
Genome position (GRCh38, 1-based): chr7:105,077,077, G>T. VCF-style: chr7-105077077-G-T. GRCh37 (hg19) VCF-style: chr7-104717524-G-T.
Other names: c.883G>T, p.Gly295Cys (NM_001410908.1, NM_018682.4); short protein forms G295C.
Identifiers: ClinVar variation 4687860 (VCV004687860.1).

ClinVar aggregate classification (germline): Likely benign (1 of 4 stars; one submission).

Conditions:
O'Donnell-Luria-Rodan syndrome (ODLURO). Also called: KMT2E-Related Neurodevelopmental Disorder. Identifiers: MedGen C5193138, MONDO:0032793, OMIM 618512.

Submission:

Centre for Medical Genetics,  Mumbai
Classification: Likely benign for O'Donnell-Luria-Rodan syndrome. Last evaluated: 2026-01-28. Review status: criteria provided, single submitter. Criteria: ACMG Guidelines, 2015. Collection method: provider interpretation. Allele origin: germline. Inheritance: Autosomal dominant inheritance. Affected: no. Observed: 1 heterozygote.
Comment: The variant satisfies PM2 criteria; extremely low frequency in gnomAD population databases. The variant satisfies PP3 criteria; for a missense or a splicing region variant, computational prediction tools unanimously support a deleterious effect on the gene.

Literature cited by the submitters: PubMed 31079897.